The following is an entry in ClinVar:

NM_005334.3(HCFC1):c.4245G>A (p.Arg1415=)

Gene: HCFC1 (host cell factor C1; minus strand). Cytogenetic location: Xq28.
Variant type: single nucleotide variant.
Coding change: c.4245G>A on transcript NM_005334.3 (MANE Select); coding-DNA position 4245, G replaced by A.
Protein change: p.Arg1415=; no amino-acid change (arginine 1415 retained).
Molecular consequence: synonymous variant.
Genome position (GRCh38, 1-based): chrX:153,954,154, C>T on the plus strand (G>A on the coding strand, the complement: HCFC1 is on the minus strand). VCF-style: chrX-153954154-C-T. GRCh37 (hg19) VCF-style: chrX-153219605-C-T.
Identifiers: ClinVar variation 709418 (VCV000709418.14), dbSNP rs782660801, ClinGen allele CA10557045.

ClinVar aggregate classification (germline): Likely benign. Review status: criteria provided, multiple submitters, no conflicts (2 of 4 stars). 3 submissions from 3 submitters: Likely benign (2). 1 of the submissions does not count toward it. Last evaluated 2026-01-24.

Conditions:
HCFC1-related disorder. Also called: HCFC1-related condition.
Methylmalonic acidemia with homocystinuria, type cblX (MAHCX). Also called: INTELLECTUAL DEVELOPMENTAL DISORDER, X-LINKED 3. Identifiers: Orphanet 369962, MedGen C0796208, MONDO:0010657, OMIM 309541.

Allele frequency attached by ClinVar (database versions not stated): gnomAD exomes 0.00002 and 0.00004; ExAC 0.00005; gnomAD 0.00034 and 0.00037; 1000 Genomes Project 0.00053; 1000 Genomes Project 30x 0.00083; TOPMed 0.00092.
gnomAD v4.1: 71 of 1,203,431 alleles (0.0059%); highest among the groups gnomAD compares: Admixed American, 0.091%; no homozygotes.

Submissions (3):

Labcorp Genetics (formerly Invitae), Labcorp
Classification: Likely benign for Methylmalonic acidemia with homocystinuria, type cblX. Last evaluated: 2026-01-24. Review status: criteria provided, single submitter. Criteria: Invitae Variant Classification Sherloc (09022015). Collection method: clinical testing. Allele origin: germline.

Blueprint Genetics
Classification: Likely benign. Last evaluated: 2023-07-26. Review status: criteria provided, single submitter. Criteria: ACMG Guidelines, 2015. Collection method: clinical testing. Allele origin: germline.

PreventionGenetics, part of Exact Sciences
Classification: Likely benign for HCFC1-related condition. Last evaluated: 2020-07-01. Review status: no assertion criteria provided. Collection method: clinical testing. Allele origin: germline. Not counted in ClinVar's aggregate classification.
Comment: This variant is classified as likely benign based on ACMG/AMP sequence variant interpretation guidelines (Richards et al. 2015 PMID: 25741868, with internal and published modifications).